The following is an entry in ClinVar:

ClinVar aggregate classification (germline): Uncertain significance. Review status: criteria provided, multiple submitters, no conflicts (2 of 4 stars). 2 submissions from 2 submitters: Uncertain significance (2). Last evaluated 2025-02-26.

Conditions:
Inborn genetic diseases. Identifiers: MedGen C0950123, MeSH D030342.
Fanconi anemia (FA). Also called: Fanconi's anemia. Identifiers: Orphanet 84, MedGen C0015625, MeSH D005199, MONDO:0019391.

Allele frequency attached by ClinVar (database versions not stated): ExAC 0.00001; gnomAD 0.00001; TOPMed 0.00001; ESP Exome Variant Server 0.00008.

Submissions (2):

Ambry Genetics
Classification: Uncertain significance for Inborn genetic diseases. Last evaluated: 2025-02-26. Review status: criteria provided, single submitter. Criteria: Ambry Variant Classification Scheme 2023. Collection method: clinical testing. Allele origin: germline.
Comment: The p.C76R variant (also known as c.226T>C), located in coding exon 1 of the FANCM gene, results from a T to C substitution at nucleotide position 226. The cysteine at codon 76 is replaced by arginine, an amino acid with highly dissimilar properties. This amino acid position is conserved. In addition, the in silico prediction for this alteration is inconclusive. Based on the available evidence, the clinical significance of this variant remains unclear.

Labcorp Genetics (formerly Invitae), Labcorp
Classification: Uncertain significance for Fanconi anemia. Last evaluated: 2023-03-26. Review status: criteria provided, single submitter. Criteria: Invitae Variant Classification Sherloc (09022015). Collection method: clinical testing. Allele origin: germline.
Comment: This sequence change replaces cysteine, which is neutral and slightly polar, with arginine, which is basic and polar, at codon 76 of the FANCM protein (p.Cys76Arg). The frequency data for this variant in the population databases is considered unreliable, as metrics indicate poor data quality at this position in the gnomAD database. This variant has not been reported in the literature in individuals affected with FANCM-related conditions. An algorithm developed to predict the effect of missense changes on protein structure and function (PolyPhen-2) suggests that this variant is likely to be disruptive. In summary, the available evidence is currently insufficient to determine the role of this variant in disease. Therefore, it has been classified as a Variant of Uncertain Significance.

NM_020937.4(FANCM):c.226T>C (p.Cys76Arg)

Gene: FANCM (FA complementation group M; plus strand). Cytogenetic location: 14q21.2.
Variant type: single nucleotide variant.
Coding change: c.226T>C on transcript NM_020937.4 (MANE Select); coding-DNA position 226, T replaced by C.
Protein change: p.Cys76Arg; replaces cysteine 76 with arginine.
Molecular consequence: missense variant.
Genome position (GRCh38, 1-based): chr14:45,136,257, T>C. VCF-style: chr14-45136257-T-C. GRCh37 (hg19) VCF-style: chr14-45605460-T-C.
Other names: c.226T>C, p.Cys76Arg (NM_001308133.2, NM_001308134.2); short protein forms C76R.
Identifiers: ClinVar variation 2722748 (VCV002722748.3), dbSNP rs150100870, ClinGen allele CA7168722.
Genomic context (GRCh38, chr14:45,136,257, plus strand): 5'-GTGTTGCTTGTCGCGGCGTACGAGGCTGAGCGGCAGTTGTGTCTAGAGAATGGCGGGTTC[T>C]GCACCTCCGCGGGCGCCCTGTGGATTTACCCTACCAATTGCCCAGTGCGGGACTACCAGC-3'
Protein context (NP_065988.1, residues 66-86): RQLCLENGGF[Cys76Arg]TSAGALWIYP